The following is an entry in ClinVar:

ClinVar aggregate classification (germline): Uncertain significance (1 of 4 stars; one submission).

Allele frequency attached by ClinVar (database versions not stated): gnomAD exomes 0.00001 and 0.00002; ExAC 0.00002; TOPMed 0.00003; gnomAD 0.00004; ESP Exome Variant Server 0.00009.
gnomAD v4.1: 17 of 1,206,867 alleles (0.0014%); highest among the groups gnomAD compares: Admixed American, 0.0022%; no homozygotes.

Submission:

Labcorp Genetics (formerly Invitae), Labcorp
Classification: Uncertain significance. Last evaluated: 2025-04-28. Review status: criteria provided, single submitter. Criteria: Invitae Variant Classification Sherloc (09022015). Collection method: clinical testing. Allele origin: germline.
Comment: This sequence change replaces proline, which is neutral and non-polar, with leucine, which is neutral and non-polar, at codon 1801 of the CACNA1F protein (p.Pro1801Leu). This variant is present in population databases (rs368843924, gnomAD 0.004%). This variant has not been reported in the literature in individuals affected with CACNA1F-related conditions. ClinVar contains an entry for this variant (Variation ID: 860599). An algorithm developed to predict the effect of missense changes on protein structure and function (PolyPhen-2) suggests that this variant is likely to be tolerated. In summary, the available evidence is currently insufficient to determine the role of this variant in disease. Therefore, it has been classified as a Variant of Uncertain Significance.

NM_001256789.3(CACNA1F):c.5369C>T (p.Pro1790Leu)

Gene: CACNA1F (calcium voltage-gated channel subunit alpha1 F; minus strand). Cytogenetic location: Xp11.23.
Variant type: single nucleotide variant.
Coding change: c.5369C>T on transcript NM_001256789.3 (MANE Select); coding-DNA position 5369, C replaced by T.
Protein change: p.Pro1790Leu; replaces proline 1790 with leucine.
Molecular consequence: missense variant.
Genome position (GRCh38, 1-based): chrX:49,206,614, G>A on the plus strand (C>T on the coding strand, the complement: CACNA1F is on the minus strand). VCF-style: chrX-49206614-G-A. GRCh37 (hg19) VCF-style: chrX-49063075-G-A.
Other names: c.5207C>T, p.Pro1736Leu (NM_001256790.3); c.5402C>T, p.Pro1801Leu (NM_005183.4); short protein forms P1736L, P1790L, P1801L.
Identifiers: ClinVar variation 860599 (VCV000860599.9), dbSNP rs368843924, ClinGen allele CA10409987.